The following is an entry in ClinVar:

NM_018684.4(ZC4H2):c.587T>A (p.Ile196Asn)

Gene: ZC4H2 (zinc finger C4H2-type containing; minus strand). Cytogenetic location: Xq11.2.
Variant type: single nucleotide variant.
Coding change: c.587T>A on transcript NM_018684.4 (MANE Select); coding-DNA position 587, T replaced by A.
Protein change: p.Ile196Asn; replaces isoleucine 196 with asparagine.
Molecular consequence: missense variant. On other transcripts: non-coding transcript variant (1).
Genome position (GRCh38, 1-based): chrX:64,917,871, A>T on the plus strand (T>A on the coding strand, the complement: ZC4H2 is on the minus strand). VCF-style: chrX-64917871-A-T. GRCh37 (hg19) VCF-style: chrX-64137751-A-T.
Other names: c.518T>A, p.Ile173Asn (NM_001178032.3, NM_001243804.2); c.424T>A, p.Phe142Ile (NM_001178033.3); short protein forms F142I, I173N, I196N.
Identifiers: ClinVar variation 1306412 (VCV001306412.2), dbSNP rs2147345731, ClinGen allele CA413411223.

ClinVar aggregate classification (germline): Uncertain significance (1 of 4 stars; one submission).

Submission:

GeneDx
Classification: Uncertain significance. Last evaluated: 2019-07-03. Review status: criteria provided, single submitter. Criteria: GeneDx Variant Classification Process June 2021. Collection method: clinical testing. Allele origin: germline. Affected: yes.
Comment: Not observed in large population cohorts (Lek et al., 2016); In silico analysis, which includes protein predictors and evolutionary conservation, supports a deleterious effect; Has not been previously published as pathogenic or benign to our knowledge